The following is an entry in ClinVar:

ClinVar aggregate classification (germline): Conflicting classifications of pathogenicity. Review status: criteria provided, conflicting classifications (1 of 4 stars). 3 submissions from 3 submitters: Uncertain significance (1); Benign (1); Likely benign (1). Last evaluated 2025-05-05.

Conditions:
Hypermethioninemia with deficiency of S-adenosylhomocysteine hydrolase. Identifiers: Orphanet 88618, MedGen C3151058, MONDO:0013404, OMIM 613752.

Allele frequency attached by ClinVar (database versions not stated): 1000 Genomes Project 0.00200; 1000 Genomes Project 30x 0.00265; ExAC 0.00508; ESP Exome Variant Server 0.00651; TOPMed 0.00686; gnomAD exomes 0.00771 and 0.01091; gnomAD 0.00804 and 0.00825.
gnomAD v4.1: 16,420 of 1,551,714 alleles (1.1%); highest among the groups gnomAD compares: Non-Finnish European, 1.2%; 92 homozygotes.

Submissions (3):

Labcorp Genetics (formerly Invitae), Labcorp
Classification: Benign for Hypermethioninemia with deficiency of S-adenosylhomocysteine hydrolase. Last evaluated: 2025-05-05. Review status: criteria provided, single submitter. Criteria: Invitae Variant Classification Sherloc (09022015). Collection method: clinical testing. Allele origin: germline.

Illumina Laboratory Services, Illumina
Classification: Uncertain significance for Hypermethioninemia with deficiency of S-adenosylhomocysteine hydrolase. Last evaluated: 2017-04-27. Review status: criteria provided, single submitter. Criteria: ICSL Variant Classification Criteria 13 December 2019. Collection method: clinical testing. Allele origin: germline.
Comment: This variant was observed as part of a predisposition screen in an ostensibly healthy population. A literature search was performed for the gene, cDNA change, and amino acid change (where applicable). Publications were found based on this search. However, the evidence from the literature, in combination with allele frequency data from public databases where available, was not sufficient to rule this variant in or out of causing disease. Therefore, this variant is classified as a variant of unknown significance.

Genomic Diagnostic Laboratory, Division of Genomic Diagnostics, Children's Hospital of Philadelphia
Classification: Likely benign. Last evaluated: 2015-07-17. Review status: criteria provided, single submitter. Criteria: DGD Variant Analysis Guidelines. Collection method: clinical testing. Allele origin: unknown.

Literature cited by the submitters: PubMed 19619139 (cited by Illumina Laboratory Services, Illumina).

NM_000687.4(AHCY):c.-34C>T

Gene: AHCY (adenosylhomocysteinase; minus strand). Cytogenetic location: 20q11.22.
Variant type: single nucleotide variant.
Coding change: c.-34C>T on transcript NM_000687.4 (MANE Select); 34 bases upstream of the start codon, C replaced by T.
Molecular consequence: 5 prime UTR variant. On other transcripts: intron variant (1).
Genome position (GRCh38, 1-based): chr20:34,303,304, G>A on the plus strand (C>T on the coding strand, the complement: AHCY is on the minus strand). VCF-style: chr20-34303304-G-A. GRCh37 (hg19) VCF-style: chr20-32891110-G-A.
Other names: c.-34C>T (NM_001362750.2); c.-56-7719C>T (NM_001161766.2).
Identifiers: ClinVar variation 218468 (VCV000218468.15), dbSNP rs57344541, ClinGen allele CA248973.